The following is an entry in ClinVar:

NM_002857.4(PEX19):c.365A>G (p.Gln122Arg)

Gene: PEX19 (peroxisomal biogenesis factor 19; minus strand). Cytogenetic location: 1q23.2.
Variant type: single nucleotide variant.
Coding change: c.365A>G on transcript NM_002857.4 (MANE Select); coding-DNA position 365, A replaced by G.
Protein change: p.Gln122Arg; replaces glutamine 122 with arginine.
Molecular consequence: missense variant. On other transcripts: non-coding transcript variant (1).
Genome position (GRCh38, 1-based): chr1:160,282,484, T>C on the plus strand (A>G on the coding strand, the complement: PEX19 is on the minus strand). VCF-style: chr1-160282484-T-C. GRCh37 (hg19) VCF-style: chr1-160252274-T-C.
Other names: c.365A>G, p.Gln122Arg (NM_001193644.1); c.365A>G (NM_002857.3); short protein forms Q122R.
Identifiers: ClinVar variation 1438085 (VCV001438085.10), dbSNP rs1405573106, ClinGen allele CA343261877.

ClinVar aggregate classification (germline): Uncertain significance. Review status: criteria provided, multiple submitters, no conflicts (2 of 4 stars). 2 submissions from 2 submitters: Uncertain significance (2). Last evaluated 2025-06-19.

Conditions:
Inborn genetic diseases. Identifiers: MedGen C0950123, MeSH D030342.
Peroxisome biogenesis disorder 12A (Zellweger). Also called: Peroxisome biogenesis disorder 12A. Identifiers: Orphanet 912, MedGen C3554002, MONDO:0013951, OMIM 614886.

Allele frequency attached by ClinVar (database versions not stated): gnomAD exomes below 0.00001 and 0.00001; gnomAD 0.00001.
gnomAD v4.1: 10 of 1,613,834 alleles (0.00062%); highest among the groups gnomAD compares: Middle Eastern, 0.049%; no homozygotes.

Submissions (2):

Ambry Genetics
Classification: Uncertain significance for Inborn genetic diseases. Last evaluated: 2025-06-19. Review status: criteria provided, single submitter. Criteria: Ambry Variant Classification Scheme 2023. Collection method: clinical testing. Allele origin: germline.

Labcorp Genetics (formerly Invitae), Labcorp
Classification: Uncertain significance for Peroxisome biogenesis disorder 12A (Zellweger). Last evaluated: 2021-10-15. Review status: criteria provided, single submitter. Criteria: Invitae Variant Classification Sherloc (09022015). Collection method: clinical testing. Allele origin: germline.
Comment: In summary, the available evidence is currently insufficient to determine the role of this variant in disease. Therefore, it has been classified as a Variant of Uncertain Significance. Algorithms developed to predict the effect of missense changes on protein structure and function are either unavailable or do not agree on the potential impact of this missense change (SIFT: "Tolerated"; PolyPhen-2: "Probably Damaging"; Align-GVGD: "Class C0"). This variant has not been reported in the literature in individuals affected with PEX19-related conditions. This variant is not present in population databases (ExAC no frequency). This sequence change replaces glutamine with arginine at codon 122 of the PEX19 protein (p.Gln122Arg). The glutamine residue is moderately conserved and there is a small physicochemical difference between glutamine and arginine.